The following is an entry in ClinVar:

ClinVar aggregate classification (germline): Benign. Review status: criteria provided, multiple submitters, no conflicts (2 of 4 stars). 3 submissions from 3 submitters: Benign (2). 1 of the submissions does not count toward it. Last evaluated 2021-03-09.

Conditions:
Cataract 6 multiple types. Also called: CATARACT 6, POSTERIOR POLAR; CATARACT 6, CONGENITAL TOTAL; CATARACT, AGE-RELATED CORTICAL, 2. Identifiers: Orphanet 91492, MedGen C1861825, MONDO:0007288, OMIM 116600.
EPHA2-related disorder. Also called: EPHA2-related condition.

Allele frequency attached by ClinVar (database versions not stated): gnomAD exomes 0.00041; ESP Exome Variant Server 0.00008; TOPMed 0.00001; gnomAD 0.00009 and below 0.00001; ExAC 0.00045.
gnomAD v4.1: 262 of 1,614,044 alleles (0.016%); highest among the groups gnomAD compares: South Asian, 0.27%; 3 homozygotes.

Submissions (3):

Labcorp Genetics (formerly Invitae), Labcorp
Classification: Benign for Cataract 6 multiple types. Last evaluated: 2021-03-09. Review status: criteria provided, single submitter. Criteria: Invitae Variant Classification Sherloc (09022015). Collection method: clinical testing. Allele origin: germline.

Illumina Laboratory Services, Illumina
Classification: Benign for Cataract 6 multiple types. Last evaluated: 2018-01-13. Review status: criteria provided, single submitter. Criteria: ICSL Variant Classification Criteria 13 December 2019. Collection method: clinical testing. Allele origin: germline.
Comment: This variant was observed in the ICSL laboratory as part of a predisposition screen in an ostensibly healthy population. It had not been previously curated by ICSL or reported in the Human Gene Mutation Database (HGMD: prior to June 1st, 2018), and was therefore a candidate for classification through an automated scoring system. Utilizing variant allele frequency, disease prevalence and penetrance estimates, and inheritance mode, an automated score was calculated to assess if this variant is too frequent to cause the disease. Based on the score and internal cut-off values, a variant classified as benign is not then subjected to further curation. The score for this variant resulted in a classification of benign for this disease.

PreventionGenetics, part of Exact Sciences
Classification: Likely benign for EPHA2-related condition. Last evaluated: 2019-04-09. Review status: no assertion criteria provided. Collection method: clinical testing. Allele origin: germline. Not counted in ClinVar's aggregate classification.
Comment: This variant is classified as likely benign based on ACMG/AMP sequence variant interpretation guidelines (Richards et al. 2015 PMID: 25741868, with internal and published modifications).

NM_004431.5(EPHA2):c.2463G>A (p.Leu821=)

Gene: EPHA2 (EPH receptor A2; minus strand). Cytogenetic location: 1p36.13.
Variant type: single nucleotide variant.
Coding change: c.2463G>A on transcript NM_004431.5 (MANE Select); coding-DNA position 2463, G replaced by A.
Protein change: p.Leu821=; no amino-acid change (leucine 821 retained).
Molecular consequence: synonymous variant.
Genome position (GRCh38, 1-based): chr1:16,131,733, C>T on the plus strand (G>A on the coding strand, the complement: EPHA2 is on the minus strand). VCF-style: chr1-16131733-C-T. GRCh37 (hg19) VCF-style: chr1-16458228-C-T.
Other names: c.2301G>A, p.Leu767= (NM_001329090.2); c.2463G>A (NM_004431.4).
Identifiers: ClinVar variation 293410 (VCV000293410.15), dbSNP rs143247718, ClinGen allele CA624824.